The following is an entry in ClinVar:

NM_000440.3(PDE6A):c.1468A>G (p.Ile490Val)

Gene: PDE6A (phosphodiesterase 6A; minus strand). Cytogenetic location: 5q32.
Variant type: single nucleotide variant.
Coding change: c.1468A>G on transcript NM_000440.3 (MANE Select); coding-DNA position 1468, A replaced by G.
Protein change: p.Ile490Val; replaces isoleucine 490 with valine.
Molecular consequence: missense variant.
Genome position (GRCh38, 1-based): chr5:149,896,716, T>C on the plus strand (A>G on the coding strand, the complement: PDE6A is on the minus strand). VCF-style: chr5-149896716-T-C. GRCh37 (hg19) VCF-style: chr5-149276279-T-C.
Other names: c.1468A>G (NM_000440.2); short protein forms I490V.
Identifiers: ClinVar variation 1023663 (VCV001023663.13), dbSNP rs150437408, ClinGen allele CA3504680.
Genomic context (GRCh38, chr5:149,896,716, plus strand): 5'-GGAGCACTTTGCACTTGTTATACATCGGGGCTCGTGCTGCCCCGGTTCAGCTCACCAGGA[T>C]CTCAGCCAGCTCCTCTTCCTCACACTCCCATGGCTCCTTCCCATACACCTCTCTGGTTTT-3'
Protein context (NP_000431.2, residues 480-500): WECEEEELAE[Ile490Val]LQAELPDADK

ClinVar aggregate classification (germline): Uncertain significance. Review status: criteria provided, multiple submitters, no conflicts (2 of 4 stars). 4 submissions from 4 submitters: Uncertain significance (4). Last evaluated 2026-08-11.

Conditions:
PDE6A-related disorder. Also called: PDE6A-related condition.
Inborn genetic diseases. Identifiers: MedGen C0950123, MeSH D030342.

Allele frequency attached by ClinVar (database versions not stated): ExAC 0.00003; gnomAD exomes 0.00004 and 0.00005; gnomAD 0.00006; TOPMed 0.00007; ESP Exome Variant Server 0.00008.
gnomAD v4.1: 81 of 1,614,000 alleles (0.005%); highest among the groups gnomAD compares: Non-Finnish European, 0.0066%; no homozygotes.

Submissions (4):

PreventionGenetics, part of Exact Sciences
Classification: Uncertain significance for PDE6A-related condition. Last evaluated: 2026-08-11. Review status: criteria provided, single submitter. Criteria: ACMG Guidelines, 2015. Collection method: clinical testing. Allele origin: germline.
Comment: The PDE6A c.1468A>G variant is predicted to result in the amino acid substitution p.Ile490Val. To our knowledge, this variant has not been reported in the literature. This variant is reported in 0.0085% of alleles in individuals of European (Non-Finnish) descent in gnomAD. At this time, the clinical significance of this variant is uncertain due to the absence of conclusive functional and genetic evidence.

Ambry Genetics
Classification: Uncertain significance for Inborn genetic diseases. Last evaluated: 2024-04-30. Review status: criteria provided, single submitter. Criteria: Ambry Variant Classification Scheme 2023. Collection method: clinical testing. Allele origin: germline.

Labcorp Genetics (formerly Invitae), Labcorp
Classification: Uncertain significance. Last evaluated: 2023-11-27. Review status: criteria provided, single submitter. Criteria: Invitae Variant Classification Sherloc (09022015). Collection method: clinical testing. Allele origin: germline.
Comment: This sequence change replaces isoleucine, which is neutral and non-polar, with valine, which is neutral and non-polar, at codon 490 of the PDE6A protein (p.Ile490Val). This variant is present in population databases (rs150437408, gnomAD 0.008%). This variant has not been reported in the literature in individuals affected with PDE6A-related conditions. ClinVar contains an entry for this variant (Variation ID: 1023663). An algorithm developed to predict the effect of missense changes on protein structure and function (PolyPhen-2) suggests that this variant is likely to be tolerated. Algorithms developed to predict the effect of sequence changes on RNA splicing suggest that this variant may disrupt the consensus splice site. In summary, the available evidence is currently insufficient to determine the role of this variant in disease. Therefore, it has been classified as a Variant of Uncertain Significance.

Blueprint Genetics
Classification: Uncertain significance. Last evaluated: 2022-08-26. Review status: criteria provided, single submitter. Criteria: ACMG Guidelines, 2015. Collection method: clinical testing. Allele origin: germline.